The following is an entry in ClinVar:

NM_000069.3(CACNA1S):c.4078T>C (p.Tyr1360His)

Gene: CACNA1S (calcium voltage-gated channel subunit alpha1 S; minus strand). Cytogenetic location: 1q32.1.
Variant type: single nucleotide variant.
Coding change: c.4078T>C on transcript NM_000069.3 (MANE Select); coding-DNA position 4078, T replaced by C.
Protein change: p.Tyr1360His; replaces tyrosine 1360 with histidine.
Molecular consequence: missense variant.
Genome position (GRCh38, 1-based): chr1:201,051,019, A>G on the plus strand (T>C on the coding strand, the complement: CACNA1S is on the minus strand). VCF-style: chr1-201051019-A-G. GRCh37 (hg19) VCF-style: chr1-201020147-A-G.
Other names: short protein forms Y1360H.
Identifiers: ClinVar variation 3760936 (VCV003760936.2).
Genomic context (GRCh38, chr1:201,051,019, plus strand): 5'-GCCCCGCAGGCCCTCAGCATCTCACCAGGAAGGCACAGAGCATGTAGAAGCTGATGAAGT[A>G]GTAGTATGCAAAGTTGGTGCCACATGTGTACTCCTCCCCTGGGGCATAGTCCGACTCTGG-3'
Protein context (NP_000060.2, residues 1350-1370): YTCGTNFAYY[Tyr1360His]FISFYMLCAF

ClinVar aggregate classification (germline): Uncertain significance (1 of 4 stars; one submission).

Conditions:
Hypokalemic periodic paralysis, type 1. Also called: Hypokalemic Periodic Paralysis Type 1 (AD); HypoPP. Identifiers: Orphanet 681, MedGen C3714580, MONDO:0042979, OMIM 170400.
Malignant hyperthermia, susceptibility to, 5 (MHS5). Also called: CACNA1S-Related Malignant Hyperthermia Susceptibility. Identifiers: Orphanet 423, MedGen C1866077, MONDO:0011163, OMIM 601887.

Submission:

Labcorp Genetics (formerly Invitae), Labcorp
Classification: Uncertain significance for Hypokalemic periodic paralysis, type 1; Malignant hyperthermia, susceptibility to, 5. Last evaluated: 2024-07-21. Review status: criteria provided, single submitter. Criteria: Invitae Variant Classification Sherloc (09022015). Collection method: clinical testing. Allele origin: germline.
Comment: This sequence change replaces tyrosine, which is neutral and polar, with histidine, which is basic and polar, at codon 1360 of the CACNA1S protein (p.Tyr1360His). This variant is not present in population databases (gnomAD no frequency). This variant has not been reported in the literature in individuals affected with CACNA1S-related conditions. Advanced modeling of protein sequence and biophysical properties (such as structural, functional, and spatial information, amino acid conservation, physicochemical variation, residue mobility, and thermodynamic stability) performed at Invitae indicates that this missense variant is expected to disrupt CACNA1S protein function with a positive predictive value of 80%. In summary, the available evidence is currently insufficient to determine the role of this variant in disease. Therefore, it has been classified as a Variant of Uncertain Significance.